The following is an entry in ClinVar:

NM_006922.4(SCN3A):c.80A>C (p.Lys27Thr)

Gene: SCN3A (sodium voltage-gated channel alpha subunit 3; minus strand). Cytogenetic location: 2q24.3.
Variant type: single nucleotide variant.
Coding change: c.80A>C on transcript NM_006922.4 (MANE Select); coding-DNA position 80, A replaced by C.
Protein change: p.Lys27Thr; replaces lysine 27 with threonine.
Molecular consequence: missense variant.
Genome position (GRCh38, 1-based): chr2:165,176,315, T>G on the plus strand (A>C on the coding strand, the complement: SCN3A is on the minus strand). VCF-style: chr2-165176315-T-G. GRCh37 (hg19) VCF-style: chr2-166032825-T-G.
Other names: c.80A>C, p.Lys27Thr (NM_001081676.2, NM_001081677.2); c.80A>C (NM_006922.3); short protein forms K27T.
Identifiers: ClinVar variation 597105 (VCV000597105.13), dbSNP rs1259701704, ClinGen allele CA349241119.

ClinVar aggregate classification (germline): Uncertain significance. Review status: criteria provided, multiple submitters, no conflicts (2 of 4 stars). 2 submissions from 2 submitters: Uncertain significance (2). Last evaluated 2025-04-03.

Conditions:
Epilepsy, focal, SCN3A related.

Allele frequency attached by ClinVar (database versions not stated): gnomAD exomes below 0.00001 and 0.00001; gnomAD 0.00001; TOPMed 0.00002.
gnomAD v4.1: 9 of 1,613,954 alleles (0.00056%); highest among the groups gnomAD compares: Non-Finnish European, 0.00076%; no homozygotes.

Submissions (2):

Labcorp Genetics (formerly Invitae), Labcorp
Classification: Uncertain significance. Last evaluated: 2025-04-03. Review status: criteria provided, single submitter. Criteria: Invitae Variant Classification Sherloc (09022015). Collection method: clinical testing. Allele origin: germline.
Comment: This sequence change replaces lysine, which is basic and polar, with threonine, which is neutral and polar, at codon 27 of the SCN3A protein (p.Lys27Thr). This variant is present in population databases (no rsID available, gnomAD 0.0009%). This variant has not been reported in the literature in individuals affected with SCN3A-related conditions. ClinVar contains an entry for this variant (Variation ID: 597105). Invitae Evidence Modeling of protein sequence and biophysical properties (such as structural, functional, and spatial information, amino acid conservation, physicochemical variation, residue mobility, and thermodynamic stability) has been performed for this missense variant. However, the output from this modeling did not meet the statistical confidence thresholds required to predict the impact of this variant on SCN3A protein function. In summary, the available evidence is currently insufficient to determine the role of this variant in disease. Therefore, it has been classified as a Variant of Uncertain Significance.

Eurofins Ntd Llc (ga)
Classification: Uncertain significance. Last evaluated: 2018-05-22. Review status: criteria provided, single submitter. Criteria: EGL ClinVar v180209 classification definitions. Collection method: clinical testing. Allele origin: germline. Observed: 1 variant allele, 1 heterozygote.